The following is an entry in ClinVar:

NM_001048166.1(STIL):c.2616-246A>C

Gene: STIL (STIL centriolar assembly protein; minus strand). Cytogenetic location: 1p33.
Variant type: single nucleotide variant.
Coding change: c.2616-246A>C on transcript NM_001048166.1 (MANE Select); 246 bases into the intron before coding-DNA position 2616, A replaced by C.
Molecular consequence: intron variant.
Genome position (GRCh38, 1-based): chr1:47,263,362, T>G on the plus strand (A>C on the coding strand, the complement: STIL is on the minus strand). VCF-style: chr1-47263362-T-G. GRCh37 (hg19) VCF-style: chr1-47729034-T-G.
Other names: c.2616-249A>C (NM_003035.2, NM_001282936.1); c.2475-300A>C (NM_001282939.1); c.2475-246A>C (NM_001282938.1); c.2616-300A>C (NM_001282937.1).
Identifiers: ClinVar variation 670142 (VCV000670142.1), dbSNP rs2821092, ClinGen allele CA10724297.

ClinVar aggregate classification (germline): Benign (1 of 4 stars; one submission).

Allele frequency attached by ClinVar (database versions not stated): 1000 Genomes Project 0.66354; TOPMed 0.80348; 1000 Genomes Project 30x 0.67427.
gnomAD v4.1: 122,109 of 152,022 alleles (80%); highest among the groups gnomAD compares: African/African-American, 86%; 50,054 homozygotes.

Submission:

GeneDx
Classification: Benign. Last evaluated: 2018-06-16. Review status: criteria provided, single submitter. Criteria: GeneDx Variant Classification (06012015). Collection method: clinical testing. Allele origin: germline. Affected: yes.
Comment: This variant is considered likely benign or benign based on one or more of the following criteria: it is a conservative change, it occurs at a poorly conserved position in the protein, it is predicted to be benign by multiple in silico algorithms, and/or has population frequency not consistent with disease.